The following is an entry in ClinVar:

ClinVar aggregate classification (germline): Uncertain significance (1 of 4 stars; one submission).

Conditions:
Arrhythmogenic right ventricular dysplasia 11. Also called: ARRHYTHMOGENIC RIGHT VENTRICULAR DYSPLASIA, FAMILIAL, 11; Arrhythmogenic Right Ventricular Dysplasia/Cardiomyopathy11; Arrhythmogenic right ventricular dysplasia 11 with mild palmoplantar keratoderma and woolly hair. Identifiers: MedGen C1864850, MONDO:0012506, OMIM 610476.

gnomAD v4.1: 1 of 1,614,012 alleles (0.000062%); highest among the groups gnomAD compares: Non-Finnish European, 0.000085%; no homozygotes.

Submission:

Labcorp Genetics (formerly Invitae), Labcorp
Classification: Uncertain significance for Arrhythmogenic right ventricular dysplasia 11. Last evaluated: 2025-11-23. Review status: criteria provided, single submitter. Criteria: Invitae Variant Classification Sherloc (09022015). Collection method: clinical testing. Allele origin: germline.
Comment: This sequence change replaces valine, which is neutral and non-polar, with glutamic acid, which is acidic and polar, at codon 652 of the DSC2 protein (p.Val652Glu). This variant is not present in population databases (gnomAD no frequency). This variant has not been reported in the literature in individuals affected with DSC2-related conditions. Invitae Evidence Modeling of protein sequence and biophysical properties (such as structural, functional, and spatial information, amino acid conservation, physicochemical variation, residue mobility, and thermodynamic stability) indicates that this missense variant is expected to disrupt DSC2 protein function with a positive predictive value of 80%. In summary, the available evidence is currently insufficient to determine the role of this variant in disease. Therefore, it has been classified as a Variant of Uncertain Significance.

NM_024422.6(DSC2):c.1955T>A (p.Val652Glu)

Gene: DSC2 (desmocollin 2; minus strand). Cytogenetic location: 18q12.1.
Variant type: single nucleotide variant.
Coding change: c.1955T>A on transcript NM_024422.6 (MANE Select); coding-DNA position 1955, T replaced by A.
Protein change: p.Val652Glu; replaces valine 652 with glutamic acid.
Molecular consequence: missense variant.
Genome position (GRCh38, 1-based): chr18:31,071,775, A>T on the plus strand (T>A on the coding strand, the complement: DSC2 is on the minus strand). VCF-style: chr18-31071775-A-T. GRCh37 (hg19) VCF-style: chr18-28651741-A-T.
Other names: c.1526T>A, p.Val509Glu (NM_001406506.1, NM_001406507.1); c.1955T>A, p.Val652Glu (NM_004949.5); short protein forms V652E, V509E.
Identifiers: ClinVar variation 4744204 (VCV004744204.1).